The following is an entry in ClinVar:

ClinVar aggregate classification (germline): Uncertain significance (1 of 4 stars; one submission).

Conditions:
Cardiovascular phenotype. Identifiers: MedGen CN230736.

Submission:

Ambry Genetics
Classification: Uncertain significance for Cardiovascular phenotype. Last evaluated: 2025-04-24. Review status: criteria provided, single submitter. Criteria: Ambry Variant Classification Scheme 2023. Collection method: clinical testing. Allele origin: germline.
Comment: The p.I193S variant (also known as c.578T>G), located in coding exon 5 of the CASQ2 gene, results from a T to G substitution at nucleotide position 578. The isoleucine at codon 193 is replaced by serine, an amino acid with dissimilar properties. This amino acid position is conserved. In addition, this alteration is predicted to be deleterious by in silico analysis. Based on the available evidence, the clinical significance of this variant remains unclear.

NM_001232.4(CASQ2):c.578T>G (p.Ile193Ser)

Gene: CASQ2 (calsequestrin 2; minus strand). Cytogenetic location: 1p13.1.
Variant type: single nucleotide variant.
Coding change: c.578T>G on transcript NM_001232.4 (MANE Select); coding-DNA position 578, T replaced by G.
Protein change: p.Ile193Ser; replaces isoleucine 193 with serine.
Molecular consequence: missense variant.
Genome position (GRCh38, 1-based): chr1:115,732,929, A>C on the plus strand (T>G on the coding strand, the complement: CASQ2 is on the minus strand). VCF-style: chr1-115732929-A-C. GRCh37 (hg19) VCF-style: chr1-116275550-A-C.
Other names: short protein forms I193S.
Identifiers: ClinVar variation 3995702 (VCV003995702.1).